The following is an entry in ClinVar:

NM_001376.5(DYNC1H1):c.9531G>A (p.Leu3177=)

Gene: DYNC1H1 (dynein cytoplasmic 1 heavy chain 1; plus strand). Cytogenetic location: 14q32.31.
Variant type: single nucleotide variant.
Coding change: c.9531G>A on transcript NM_001376.5 (MANE Select); coding-DNA position 9531, G replaced by A.
Protein change: p.Leu3177=; no amino-acid change (leucine 3177 retained).
Molecular consequence: synonymous variant.
Genome position (GRCh38, 1-based): chr14:102,029,601, G>A. VCF-style: chr14-102029601-G-A. GRCh37 (hg19) VCF-style: chr14-102495938-G-A.
Identifiers: ClinVar variation 508671 (VCV000508671.10), dbSNP rs531438720, ClinGen allele CA7353245.

ClinVar aggregate classification (germline): Conflicting classifications of pathogenicity. Review status: criteria provided, conflicting classifications (1 of 4 stars). 4 submissions from 3 submitters: Uncertain significance (2); Likely benign (2). Last evaluated 2025-12-08.

Conditions:
Charcot-Marie-Tooth disease axonal type 2O. Also called: CHARCOT-MARIE-TOOTH NEUROPATHY, AXONAL, TYPE 2O; CHARCOT-MARIE-TOOTH DISEASE, AXONAL, AUTOSOMAL DOMINANT, TYPE 2O; Charcot-Marie-Tooth Neuropathy Type 2O; Charcot-Marie-Tooth disease, axonal, type 20. Identifiers: Orphanet 284232, MedGen C3280220, MONDO:0013644, OMIM 614228.
Autosomal dominant cerebellar ataxia. Also called: Spinocerebellar Ataxia, Dominant. Identifiers: Orphanet 99, MedGen C4087347, MONDO:0020380.

Allele frequency attached by ClinVar (database versions not stated): ExAC 0.00001; gnomAD exomes 0.00003 and 0.00004; TOPMed 0.00003; gnomAD 0.00007 and 0.00008.
gnomAD v4.1: 54 of 1,614,100 alleles (0.0033%); highest among the groups gnomAD compares: Non-Finnish European, 0.0043%; 1 homozygote.

Submissions (4):

Labcorp Genetics (formerly Invitae), Labcorp
Classification: Likely benign for Charcot-Marie-Tooth disease axonal type 2O. Last evaluated: 2025-12-08. Review status: criteria provided, single submitter. Criteria: Invitae Variant Classification Sherloc (09022015). Collection method: clinical testing. Allele origin: germline.

Illumina Laboratory Services, Illumina
Classification: Uncertain significance for Charcot-Marie-Tooth disease axonal type 2O. Last evaluated: 2018-01-13. Review status: criteria provided, single submitter. Criteria: ICSL Variant Classification Criteria 13 December 2019. Collection method: clinical testing. Allele origin: germline.

Illumina Laboratory Services, Illumina
Classification: Uncertain significance for Spinocerebellar Ataxia, Dominant. Last evaluated: 2018-01-13. Review status: criteria provided, single submitter. Criteria: ICSL Variant Classification Criteria 13 December 2019. Collection method: clinical testing. Allele origin: germline.

GeneDx
Classification: Likely benign. Last evaluated: 2017-04-03. Review status: criteria provided, single submitter. Criteria: GeneDx Variant Classification (06012015). Collection method: clinical testing. Allele origin: germline. Affected: yes.
Comment: This variant is considered likely benign or benign based on one or more of the following criteria: it is a conservative change, it occurs at a poorly conserved position in the protein, it is predicted to be benign by multiple in silico algorithms, and/or has population frequency not consistent with disease.